The following is an entry in ClinVar:

ClinVar aggregate classification (germline): Likely pathogenic (1 of 4 stars; one submission).

Conditions:
Walker-Warburg congenital muscular dystrophy. Also called: Muscular dystrophy-dystroglycanopathy, type A; Walker-Warburg syndrome. Identifiers: Orphanet 899, MedGen C0265221, MONDO:0000171.

Submission:

Labcorp Genetics (formerly Invitae), Labcorp
Classification: Likely pathogenic for Walker-Warburg congenital muscular dystrophy. Last evaluated: 2025-05-01. Review status: criteria provided, single submitter. Criteria: Invitae Variant Classification Sherloc (09022015). Collection method: clinical testing. Allele origin: germline.
Comment: This sequence change replaces proline, which is neutral and non-polar, with arginine, which is basic and polar, at codon 462 of the FKRP protein (p.Pro462Arg). This variant is not present in population databases (gnomAD no frequency). This variant has not been reported in the literature in individuals affected with FKRP-related conditions. Invitae Evidence Modeling of protein sequence and biophysical properties (such as structural, functional, and spatial information, amino acid conservation, physicochemical variation, residue mobility, and thermodynamic stability) indicates that this missense variant is expected to disrupt FKRP protein function with a positive predictive value of 95%. This variant disrupts the p.Pro462 amino acid residue in FKRP. Other variant(s) that disrupt this residue have been determined to be pathogenic (PMID: 12666124, 15883334, 16344347, 30919934). This suggests that this residue is clinically significant, and that variants that disrupt this residue are likely to be disease-causing. In summary, the currently available evidence indicates that the variant is pathogenic, but additional data are needed to prove that conclusively. Therefore, this variant has been classified as Likely Pathogenic.

Literature cited by the submitters: PubMed 12666124; PubMed 15883334; PubMed 16344347; PubMed 30919934.

NM_024301.5(FKRP):c.1385C>G (p.Pro462Arg)

Gene: FKRP (fukutin related protein; plus strand). Cytogenetic location: 19q13.32.
Variant type: single nucleotide variant.
Coding change: c.1385C>G on transcript NM_024301.5 (MANE Select); coding-DNA position 1385, C replaced by G.
Protein change: p.Pro462Arg; replaces proline 462 with arginine.
Molecular consequence: missense variant.
Genome position (GRCh38, 1-based): chr19:46,756,835, C>G. VCF-style: chr19-46756835-C-G. GRCh37 (hg19) VCF-style: chr19-47260092-C-G.
Other names: c.1385C>G, p.Pro462Arg (NM_001039885.3); short protein forms P462R.
Identifiers: ClinVar variation 4746214 (VCV004746214.1).